The following is an entry in ClinVar:

ClinVar aggregate classification (germline): Conflicting classifications of pathogenicity. Review status: criteria provided, conflicting classifications (1 of 4 stars). 2 submissions from 2 submitters: Uncertain significance (1); Benign (1). Last evaluated 2018-01-13.

Conditions:
Maturity-onset diabetes of the young (MODY). Also called: Maturity onset diabetes mellitus in young. Identifiers: Orphanet 552, MedGen C0342276, MONDO:0018911, HP:0004904.
Maturity-onset diabetes of the young type 3. Also called: MODY type 3; MODY, type III. Identifiers: Orphanet 552, MedGen C1838100, MeSH C563933, MONDO:0010894, OMIM 600496. Disease mechanism: loss of function.

Allele frequency attached by ClinVar (database versions not stated): gnomAD 0.00001.

Submissions (2):

Illumina Laboratory Services, Illumina
Classification: Uncertain significance for Maturity-onset diabetes of the young type 3. Last evaluated: 2018-01-13. Review status: criteria provided, single submitter. Criteria: ICSL Variant Classification Criteria 13 December 2019. Collection method: clinical testing. Allele origin: germline.

Clinical Genomics, Uppaluri K&H Personalized Medicine Clinic
Classification: Benign for Maturity-onset diabetes of the young. Review status: criteria provided, single submitter. Criteria: K & H Uppaluri Personalized Medicine Clinic Variant Classification & Assertion Criteria_Updated V.1. Collection method: research. Allele origin: unknown. Inheritance: Autosomal dominant inheritance.
Comment: Mutations in HNF1A gene can predispose to MODY3. It is associated with both micro and macrovascular complications of diabetes, especially cardiovascular complications. Associated with glucosuria. May respond well to sulfonylureas. However, more evidence is required to confer the association of this particular variant rs1045819255 with MODY3.

Literature cited by the submitters: PubMed 31517624 (cited by Clinical Genomics, Uppaluri K&H Personalized Medicine Clinic); PubMed 32395877 (cited by Clinical Genomics, Uppaluri K&H Personalized Medicine Clinic); PubMed 35328643 (cited by Clinical Genomics, Uppaluri K&H Personalized Medicine Clinic); PubMed 35673428 (cited by Clinical Genomics, Uppaluri K&H Personalized Medicine Clinic).

NM_000545.8(HNF1A):c.*1090T>C

Genes: C12orf43 (chromosome 12 open reading frame 43; minus strand), HNF1A (HNF1 homeobox A; plus strand). Cytogenetic location: 12q24.31.
Variant type: single nucleotide variant.
Coding change: c.*1090T>C on transcript NM_000545.8 (MANE Select); 1090 bases downstream of the stop codon, T replaced by C.
Molecular consequence: 3 prime UTR variant.
Genome position (GRCh38, 1-based): chr12:121,002,282, T>C. VCF-style: chr12-121002282-T-C. GRCh37 (hg19) VCF-style: chr12-121440085-T-C.
Other names: c.*1871A>G (NM_001286191.2, NM_001286196.2, NM_022895.3); c.*1090T>C (NM_001306179.2, NM_001406915.1).
Identifiers: ClinVar variation 882300 (VCV000882300.5), dbSNP rs1045819255, ClinGen allele CA952553091.